The following is an entry in ClinVar:

ClinVar aggregate classification (germline): Likely benign. Review status: criteria provided, multiple submitters, no conflicts (2 of 4 stars). 2 submissions from 2 submitters: Likely benign (2). Last evaluated 2025-10-01.

Conditions:
Early-infantile DEE. Also called: Early infantile epileptic encephalopathy; Ohtahara syndrome; Early infantile epileptic encephalopathy with suppression bursts. Identifiers: Orphanet 1934, MedGen C0393706, MONDO:0800491.

Allele frequency attached by ClinVar (database versions not stated): TOPMed 0.00001.
gnomAD v4.1: 2 of 1,586,476 alleles (0.00013%); highest among the groups gnomAD compares: Admixed American, 0.0017%; no homozygotes.

Submissions (2):

Labcorp Genetics (formerly Invitae), Labcorp
Classification: Likely benign for Early-infantile DEE. Last evaluated: 2025-10-01. Review status: criteria provided, single submitter. Criteria: Invitae Variant Classification Sherloc (09022015). Collection method: clinical testing. Allele origin: germline.

GeneDx
Classification: Likely benign. Last evaluated: 2018-03-13. Review status: criteria provided, single submitter. Criteria: GeneDx Variant Classification (06012015). Collection method: clinical testing. Allele origin: germline. Affected: yes.
Comment: This variant is considered likely benign or benign based on one or more of the following criteria: it is a conservative change, it occurs at a poorly conserved position in the protein, it is predicted to be benign by multiple in silico algorithms, and/or has population frequency not consistent with disease.

NM_001191061.2(SLC25A22):c.203-12C>T

Gene: SLC25A22 (solute carrier family 25 member 22; minus strand). Cytogenetic location: 11p15.5.
Variant type: single nucleotide variant.
Coding change: c.203-12C>T on transcript NM_001191061.2 (MANE Select); 12 bases into the intron before coding-DNA position 203, C replaced by T.
Molecular consequence: intron variant.
Genome position (GRCh38, 1-based): chr11:793,631, G>A on the plus strand (C>T on the coding strand, the complement: SLC25A22 is on the minus strand). VCF-style: chr11-793631-G-A. GRCh37 (hg19) VCF-style: chr11-793631-G-A.
Other names: c.203-12C>T (NM_001191060.2, NM_024698.6).
Identifiers: ClinVar variation 516502 (VCV000516502.9), dbSNP rs1432924818, ClinGen allele CA658797561.
Genomic context (GRCh38, chr11:793,631, plus strand): 5'-AGCTTGATGGCCTTCTCGGGGGTGACGAGGGTCAAGTTCACAGCAGCTCCTGTGGGGCAG[G>A]GGGTCAGCTGGGGGGACATGCTCGGTGGCCTGAGTGGGGAGGCGCTTGGCCAGGACTTGC-3'